The following is an entry in ClinVar:

NM_000135.4(FANCA):c.2601+1G>A

Gene: FANCA (FA complementation group A; minus strand). Cytogenetic location: 16q24.3.
Variant type: single nucleotide variant.
Coding change: c.2601+1G>A on transcript NM_000135.4 (MANE Select); the canonical splice donor site of the intron after coding-DNA position 2601, G replaced by A.
Molecular consequence: splice donor variant.
Genome position (GRCh38, 1-based): chr16:89,767,140, C>T on the plus strand (G>A on the coding strand, the complement: FANCA is on the minus strand). VCF-style: chr16-89767140-C-T. GRCh37 (hg19) VCF-style: chr16-89833548-C-T.
Other names: c.2601+1G>A (NM_001286167.3).
Identifiers: ClinVar variation 4817521 (VCV004817521.1).
Genomic context (GRCh38, chr16:89,767,140, plus strand): 5'-GAAAGCTGCGTAAACCTGAAACGTATGGCAGAATGGAAAAATAGGAAAAGAGTGAACCTA[C>T]CTTTTTAATAAGGCCTGGAGATAAGCAGCTGCACAAAGTATCTCGTGACTGGGAAGAAAA-3'

ClinVar aggregate classification (germline): Pathogenic (1 of 4 stars; one submission).

Conditions:
Fanconi anemia (FA). Also called: Fanconi's anemia. Identifiers: Orphanet 84, MedGen C0015625, MeSH D005199, MONDO:0019391.

gnomAD v4.1: 1 of 1,606,770 alleles (0.000062%); highest among the groups gnomAD compares: Non-Finnish European, 0.000085%; no homozygotes.

Submission:

Natera, Inc.
Classification: Pathogenic for Fanconi anemia. Last evaluated: 2024-12-08. Review status: criteria provided, single submitter. Criteria: Natera Variant Classification Schema (03/2026). Collection method: clinical testing. Allele origin: germline.
Comment: The c.2601+1G>A variant in FANCA is a canonical splice donor site variant predicted to affect pre-mRNA splicing, which may result in an abnormal transcript and altered protein product. This variant is expected to result in nonsense mediated decay, truncation, or a dysfunctional protein product. This variant is rare in the general population with a frequency below the threshold expected for the associated phenotype(s). Another variant at this same site results in an alteration predicted to cause a similar molecular effect has been observed in individual(s) with the associated phenotype. Given the available evidence, this variant is classified as Pathogenic.